The following is an entry in ClinVar:

ClinVar aggregate classification (germline): Uncertain significance (1 of 4 stars; one submission).

Conditions:
Maple syrup urine disease, mild variant (MSUDMV). Identifiers: Orphanet 511, MedGen C3554575, MONDO:0014057, OMIM 615135.

Allele frequency attached by ClinVar (database versions not stated): gnomAD exomes below 0.00001.
gnomAD v4.1: 1 of 1,614,166 alleles (0.000062%); highest among the groups gnomAD compares: Admixed American, 0.0017%; no homozygotes.

Submission:

Labcorp Genetics (formerly Invitae), Labcorp
Classification: Uncertain significance for Maple syrup urine disease, mild variant. Last evaluated: 2022-10-30. Review status: criteria provided, single submitter. Criteria: Invitae Variant Classification Sherloc (09022015). Collection method: clinical testing. Allele origin: germline.
Comment: Algorithms developed to predict the effect of sequence changes on RNA splicing suggest that this variant may disrupt the consensus splice site. In summary, the available evidence is currently insufficient to determine the role of this variant in disease. Therefore, it has been classified as a Variant of Uncertain Significance. This variant has not been reported in the literature in individuals affected with PPM1K-related conditions. This variant is present in population databases (no rsID available, gnomAD 0.003%). This sequence change falls in intron 5 of the PPM1K gene. It does not directly change the encoded amino acid sequence of the PPM1K protein.

NM_152542.5(PPM1K):c.853-9T>G

Gene: PPM1K (protein phosphatase, Mg2+/Mn2+ dependent 1K; minus strand). Cytogenetic location: 4q22.1.
Variant type: single nucleotide variant.
Coding change: c.853-9T>G on transcript NM_152542.5 (MANE Select); 9 bases into the intron before coding-DNA position 853, T replaced by G.
Molecular consequence: intron variant.
Genome position (GRCh38, 1-based): chr4:88,265,144, A>C on the plus strand (T>G on the coding strand, the complement: PPM1K is on the minus strand). VCF-style: chr4-88265144-A-C. GRCh37 (hg19) VCF-style: chr4-89186296-A-C.
Identifiers: ClinVar variation 3009463 (VCV003009463.3), dbSNP rs1321080096, ClinGen allele CA553077377.